The following is an entry in ClinVar:

ClinVar aggregate classification (germline): Uncertain significance. Review status: criteria provided, multiple submitters, no conflicts (2 of 4 stars). 2 submissions from 2 submitters: Uncertain significance (2). Last evaluated 2025-07-01.

Conditions:
Inborn genetic diseases. Identifiers: MedGen C0950123, MeSH D030342.

Allele frequency attached by ClinVar (database versions not stated): gnomAD below 0.00001 and 0.00003.
gnomAD v4.1: 22 of 1,613,570 alleles (0.0014%); highest among the groups gnomAD compares: South Asian, 0.02%; no homozygotes.

Submissions (2):

Labcorp Genetics (formerly Invitae), Labcorp
Classification: Uncertain significance. Last evaluated: 2025-07-01. Review status: criteria provided, single submitter. Criteria: Invitae Variant Classification Sherloc (09022015). Collection method: clinical testing. Allele origin: germline.
Comment: This sequence change replaces arginine, which is basic and polar, with leucine, which is neutral and non-polar, at codon 23 of the PRDM13 protein (p.Arg23Leu). This variant is present in population databases (rs757778533, gnomAD 0.01%). This variant has not been reported in the literature in individuals affected with PRDM13-related conditions. ClinVar contains an entry for this variant (Variation ID: 838801). An algorithm developed to predict the effect of missense changes on protein structure and function (PolyPhen-2) suggests that this variant is likely to be tolerated. In summary, the available evidence is currently insufficient to determine the role of this variant in disease. Therefore, it has been classified as a Variant of Uncertain Significance.

Ambry Genetics
Classification: Uncertain significance for Inborn genetic diseases. Last evaluated: 2024-07-09. Review status: criteria provided, single submitter. Criteria: Ambry Variant Classification Scheme 2023. Collection method: clinical testing. Allele origin: germline.

NM_021620.4(PRDM13):c.68G>T (p.Arg23Leu)

Gene: PRDM13 (PR/SET domain 13; plus strand). Cytogenetic location: 6q16.2.
Variant type: single nucleotide variant.
Coding change: c.68G>T on transcript NM_021620.4 (MANE Select); coding-DNA position 68, G replaced by T.
Protein change: p.Arg23Leu; replaces arginine 23 with leucine.
Molecular consequence: missense variant.
Genome position (GRCh38, 1-based): chr6:99,607,102, G>T. VCF-style: chr6-99607102-G-T. GRCh37 (hg19) VCF-style: chr6-100054978-G-T.
Other names: short protein forms R23L.
Identifiers: ClinVar variation 838801 (VCV000838801.10), dbSNP rs757778533, ClinGen allele CA3936083.
Genomic context (GRCh38, chr6:99,607,102, plus strand): 5'-GAGCCGCCAGAGCGCCAGCCACCAGCGTGAGTGCCGACTGCTGCATCCCGGCCGGCTTGC[G>T]CCTCGGACCGGTGCCTGGTACCTTCAAGCTGGGCAAGTACCTGTCAGACCGCAGGGAGCC-3'
Protein context (NP_067633.2, residues 13-33): SADCCIPAGL[Arg23Leu]LGPVPGTFKL